The following is an entry in ClinVar:

NM_173630.4(RTTN):c.2466A>G (p.Arg822=)

Gene: RTTN (rotatin; minus strand). Cytogenetic location: 18q22.2.
Variant type: single nucleotide variant.
Coding change: c.2466A>G on transcript NM_173630.4 (MANE Select); coding-DNA position 2466, A replaced by G.
Protein change: p.Arg822=; no amino-acid change (arginine 822 retained).
Molecular consequence: synonymous variant. On other transcripts: 5 prime UTR variant (1).
Genome position (GRCh38, 1-based): chr18:70,145,627, T>C on the plus strand (A>G on the coding strand, the complement: RTTN is on the minus strand). VCF-style: chr18-70145627-T-C. GRCh37 (hg19) VCF-style: chr18-67812863-T-C.
Other names: c.-182A>G (NM_001318520.2).
Identifiers: ClinVar variation 130171 (VCV000130171.20), dbSNP rs115470168, ClinGen allele CA154995.
Genomic context (GRCh38, chr18:70,145,627, plus strand): 5'-TGTATCAAATTACCACACAGTAATAAACTCAAAATTTATAGTCACCTTAATAACCAGCTC[T>C]CTTCTGTCATCCAGTCTGAGTTCAATAGGTTTCTTCCCAATGAATAAATCAGTAACTCTG-3'
Protein context (NP_775901.3, residues 812-832): KPIELRLDDR[Arg822=]ELVIKLETVE

ClinVar aggregate classification (germline): Benign/Likely benign. Review status: criteria provided, multiple submitters, no conflicts (2 of 4 stars). 5 submissions from 5 submitters: Benign (2); Likely benign (1). 2 of the submissions do not count toward it. Last evaluated 2026-01-12.

Conditions:
RTTN-related disorder. Also called: RTTN-related condition.

Allele frequency attached by ClinVar (database versions not stated): 1000 Genomes Project 30x 0.00468; 1000 Genomes Project 0.00499; gnomAD 0.00518 and 0.00564; TOPMed 0.00579; ESP Exome Variant Server 0.00600.
gnomAD v4.1: 1,529 of 1,603,052 alleles (0.095%); highest among the groups gnomAD compares: African/African-American, 1.9%; 15 homozygotes.

Submissions (5):

Labcorp Genetics (formerly Invitae), Labcorp
Classification: Benign. Last evaluated: 2026-01-12. Review status: criteria provided, single submitter. Criteria: Invitae Variant Classification Sherloc (09022015). Collection method: clinical testing. Allele origin: germline.

Blueprint Genetics
Classification: Likely benign. Last evaluated: 2024-08-06. Review status: criteria provided, single submitter. Criteria: ACMG Guidelines, 2015. Collection method: clinical testing. Allele origin: germline.

GeneDx
Classification: Benign. Last evaluated: 2018-12-14. Review status: criteria provided, single submitter. Criteria: GeneDx Variant Classification Process June 2021. Collection method: clinical testing. Allele origin: germline. Affected: yes.

PreventionGenetics, part of Exact Sciences
Classification: Benign for RTTN-related condition. Last evaluated: 2021-06-30. Review status: no assertion criteria provided. Collection method: clinical testing. Allele origin: germline. Not counted in ClinVar's aggregate classification.
Comment: This variant is classified as benign based on ACMG/AMP sequence variant interpretation guidelines (Richards et al. 2015 PMID: 25741868, with internal and published modifications).

Genetic Services Laboratory, University of Chicago
Classification: Likely benign for AllHighlyPenetrant. Review status: no assertion criteria provided. Collection method: clinical testing. Allele origin: germline. Inheritance: Autosomal recessive inheritance. Not counted in ClinVar's aggregate classification.
Comment: Likely benign based on allele frequency in 1000 Genomes Project or ESP global frequency and its presence in a patient with a rare or unrelated disease phenotype. NOT Sanger confirmed.